The following is an entry in ClinVar:

ClinVar aggregate classification (germline): Uncertain significance. Review status: criteria provided, multiple submitters, no conflicts (2 of 4 stars). 2 submissions from 2 submitters: Uncertain significance (2). Last evaluated 2026-01-23.

Conditions:
Silver-Russell syndrome 3 (SRS3). Also called: Growth restriction, severe, with distinctive facies. Identifiers: MedGen C4225307, MONDO:0014663, OMIM 616489.

Submissions (2):

Dasa
Classification: Uncertain significance for Silver-Russell syndrome 3. Last evaluated: 2026-01-23. Review status: criteria provided, single submitter. Criteria: DASA Assertion Criteria. Collection method: clinical testing. Allele origin: germline.
Comment: NM_000612.6(IGF2):c.103G>A (p.Gly35Arg) is a missense variant that results in the substitution of glycine with arginine. This variant is absent from population databases. Computational prediction algorithms are consistent with a deleterious effect. The currently available literature and clinical evidence are not sufficient to establish a definitive association between this variant and the reported condition. Therefore, this variant is classified as a variant of uncertain significance.

Labcorp Genetics (formerly Invitae), Labcorp
Classification: Uncertain significance. Last evaluated: 2024-06-26. Review status: criteria provided, single submitter. Criteria: Invitae Variant Classification Sherloc (09022015). Collection method: clinical testing. Allele origin: germline.
Comment: This sequence change replaces glycine, which is neutral and non-polar, with arginine, which is basic and polar, at codon 35 of the IGF2 protein (p.Gly35Arg). This variant is not present in population databases (gnomAD no frequency). This variant has not been reported in the literature in individuals affected with IGF2-related conditions. An algorithm developed to predict the effect of missense changes on protein structure and function (PolyPhen-2) suggests that this variant is likely to be disruptive. In summary, the available evidence is currently insufficient to determine the role of this variant in disease. Therefore, it has been classified as a Variant of Uncertain Significance.

NM_000612.6(IGF2):c.103G>A (p.Gly35Arg)

Genes: IGF2 (insulin like growth factor 2; minus strand), INS-IGF2 (INS-IGF2 readthrough; minus strand). Cytogenetic location: 11p15.5.
Variant type: single nucleotide variant.
Coding change: c.103G>A on transcript NM_000612.6 (MANE Select); coding-DNA position 103, G replaced by A.
Protein change: p.Gly35Arg; replaces glycine 35 with arginine.
Molecular consequence: missense variant. On other transcripts: non-coding transcript variant (1).
Genome position (GRCh38, 1-based): chr11:2,135,421, C>T on the plus strand (G>A on the coding strand, the complement: IGF2 is on the minus strand). VCF-style: chr11-2135421-C-T. GRCh37 (hg19) VCF-style: chr11-2156651-C-T.
Other names: c.103G>A, p.Gly35Arg (NM_001007139.6, NM_001291861.3, NM_001291862.3); c.271G>A, p.Gly91Arg (NM_001127598.3); short protein forms G35R, G91R.
Identifiers: ClinVar variation 3622784 (VCV003622784.4).